The following is an entry in ClinVar:

ClinVar aggregate classification (germline): Conflicting classifications of pathogenicity. Review status: criteria provided, conflicting classifications (1 of 4 stars). 4 submissions from 4 submitters: Uncertain significance (2); Likely benign (2). Last evaluated 2025-09-05.

Conditions:
Primary ciliary dyskinesia. Also called: Ciliary dyskinesia. Identifiers: Orphanet 244, MedGen C0008780, MONDO:0016575, HP:0012265.

Allele frequency attached by ClinVar (database versions not stated): gnomAD 0.00029 and 0.00031; ESP Exome Variant Server 0.00031; TOPMed 0.00033; gnomAD exomes 0.00047; ExAC 0.00054.
gnomAD v4.1: 723 of 1,613,450 alleles (0.045%); highest among the groups gnomAD compares: Admixed American, 0.13%; 3 homozygotes.

Submissions (4):

Labcorp Genetics (formerly Invitae), Labcorp
Classification: Likely benign for Primary ciliary dyskinesia. Last evaluated: 2025-09-05. Review status: criteria provided, single submitter. Criteria: Invitae Variant Classification Sherloc (09022015). Collection method: clinical testing. Allele origin: germline.

Mayo Clinic Laboratories, Mayo Clinic
Classification: Uncertain significance. Last evaluated: 2025-07-31. Review status: criteria provided, single submitter. Criteria: ACMG Guidelines, 2015. Collection method: clinical testing. Allele origin: germline. Observed: 1 variant allele.

Blueprint Genetics
Classification: Likely benign. Last evaluated: 2024-10-31. Review status: criteria provided, single submitter. Criteria: ACMG Guidelines, 2015. Collection method: clinical testing. Allele origin: germline.

GeneDx
Classification: Uncertain significance. Last evaluated: 2023-02-27. Review status: criteria provided, single submitter. Criteria: GeneDx Variant Classification Process June 2021. Collection method: clinical testing. Allele origin: germline. Affected: yes.
Comment: Reported with a second DNAH8 variant on the opposite allele (in trans) in a patient with dextrocardia, atrioventricular septal defect, asplenia, and failure to thrive in published literature (Reuter et al., 2020); In silico analysis supports that this missense variant has a deleterious effect on protein structure/function; This variant is associated with the following publications: (PMID: 32037394)

Literature cited by the submitters: PubMed 32037394 (cited by Mayo Clinic Laboratories, Mayo Clinic).

NM_001206927.2(DNAH8):c.10773C>G (p.Phe3591Leu)

Genes: DNAH8 (dynein axonemal heavy chain 8; plus strand), DNAH8-AS1 (DNAH8 antisense RNA 1; minus strand). Cytogenetic location: 6p21.2.
Variant type: single nucleotide variant.
Coding change: c.10773C>G on transcript NM_001206927.2 (MANE Select); coding-DNA position 10773, C replaced by G.
Protein change: p.Phe3591Leu; replaces phenylalanine 3591 with leucine.
Molecular consequence: missense variant. On other transcripts: non-coding transcript variant (1).
Genome position (GRCh38, 1-based): chr6:38,923,168, C>G. VCF-style: chr6-38923168-C-G. GRCh37 (hg19) VCF-style: chr6-38890944-C-G.
Other names: p.Phe3591Leu; c.10122C>G, p.Phe3374Leu (NM_001371.4); short protein forms F3591L, F3374L.
Identifiers: ClinVar variation 454538 (VCV000454538.11), dbSNP rs147574550, ClinGen allele CA3790824.